The following is an entry in ClinVar:

NM_000275.3(OCA2):c.1228_1231del (p.Cys410fs)

Gene: OCA2 (OCA2 melanosomal transmembrane protein; minus strand). Cytogenetic location: 15q13.1.
Variant type: Deletion.
Coding change: c.1228_1231del on transcript NM_000275.3 (MANE Select); coding-DNA positions 1228 to 1231, 4 bases deleted (TGTG; older notation c.1228_1231delTGTG).
Protein change: p.Cys410fs; shifts the reading frame from cysteine 410.
Molecular consequence: frameshift variant.
Genome position (GRCh38, 1-based): chr15:27,986,595-27,986,598, CACA deleted on the plus strand (TGTG on the coding strand, the reverse complement: OCA2 is on the minus strand). VCF-style (leftmost placement, unchanged base first): chr15-27986594-GCACA-G. GRCh37 (hg19) VCF-style: chr15-28231740-GCACA-G.
Other names: c.1156_1159del, p.Cys386fs (NM_001300984.2); short protein forms C410fs, C386fs.
Identifiers: ClinVar variation 2765545 (VCV002765545.3), dbSNP rs2548350055, ClinGen allele CA2627359419.

ClinVar aggregate classification (germline): Pathogenic (1 of 4 stars; one submission).

Allele frequency attached by ClinVar (database versions not stated): gnomAD exomes below 0.00001.

Submission:

Labcorp Genetics (formerly Invitae), Labcorp
Classification: Pathogenic. Last evaluated: 2023-10-04. Review status: criteria provided, single submitter. Criteria: Invitae Variant Classification Sherloc (09022015). Collection method: clinical testing. Allele origin: germline.
Comment: This sequence change creates a premature translational stop signal (p.Cys410Leufs*2) in the OCA2 gene. It is expected to result in an absent or disrupted protein product. Loss-of-function variants in OCA2 are known to be pathogenic (PMID: 19865097, 21541274). This variant is not present in population databases (gnomAD no frequency). This variant has not been reported in the literature in individuals affected with OCA2-related conditions. For these reasons, this variant has been classified as Pathogenic.

Literature cited by the submitters: PubMed 19865097; PubMed 21541274.